The following is an entry in ClinVar:

NM_054027.6(ANKH):c.*819T>G

Genes: OTULIN (OTU deubiquitinase with linear linkage specificity; plus strand), ANKH (ANKH inorganic pyrophosphate transport regulator; minus strand). Cytogenetic location: 5p15.2.
Variant type: single nucleotide variant.
Coding change: c.*819T>G on transcript NM_054027.6 (MANE Select); 819 bases downstream of the stop codon, T replaced by G.
Molecular consequence: 3 prime UTR variant.
Genome position (GRCh38, 1-based): chr5:14,710,378, A>C on the plus strand (T>G on the coding strand, the complement: ANKH is on the minus strand). VCF-style: chr5-14710378-A-C. GRCh37 (hg19) VCF-style: chr5-14710487-A-C.
Identifiers: ClinVar variation 907183 (VCV000907183.4), dbSNP rs186783503, ClinGen allele CA114714580.

ClinVar aggregate classification (germline): Benign. Review status: criteria provided, single submitter (1 of 4 stars). 2 submissions from 1 submitter: Benign (2). Last evaluated 2018-01-12.

Conditions:
Chondrocalcinosis 2. Also called: Familial calcium pyrophosphate deposition; CALCIUM GOUT; CALCIUM PYROPHOSPHATE ARTHROPATHY. Identifiers: Orphanet 1416, MedGen C0856830, MONDO:0007319, OMIM 118600.
Craniometaphyseal dysplasia, autosomal dominant (CMDD). Identifiers: Orphanet 1522, MedGen C1852502, MONDO:0007397, OMIM 123000.

Allele frequency attached by ClinVar (database versions not stated): gnomAD 0.00029 and 0.00030; TOPMed 0.00043; 1000 Genomes Project 30x 0.00078; 1000 Genomes Project 0.00120.
gnomAD v4.1: 46 of 152,376 alleles (0.03%); highest among the groups gnomAD compares: African/African-American, 0.1%; no homozygotes.

Submissions (2):

Illumina Laboratory Services, Illumina
Classification: Benign for Craniometaphyseal dysplasia, autosomal dominant. Last evaluated: 2018-01-12. Review status: criteria provided, single submitter. Criteria: ICSL Variant Classification Criteria 13 December 2019. Collection method: clinical testing. Allele origin: germline.
Comment: This variant was observed in the ICSL laboratory as part of a predisposition screen in an ostensibly healthy population. It had not been previously curated by ICSL or reported in the Human Gene Mutation Database (HGMD: prior to June 1st, 2018), and was therefore a candidate for classification through an automated scoring system. Utilizing variant allele frequency, disease prevalence and penetrance estimates, and inheritance mode, an automated score was calculated to assess if this variant is too frequent to cause the disease. Based on the score and internal cut-off values, a variant classified as benign is not then subjected to further curation. The score for this variant resulted in a classification of benign for this disease.

Illumina Laboratory Services, Illumina
Classification: Benign for Chondrocalcinosis 2. Last evaluated: 2018-01-12. Review status: criteria provided, single submitter. Criteria: ICSL Variant Classification Criteria 13 December 2019. Collection method: clinical testing. Allele origin: germline.
Comment: the same text as in the submission from Illumina Laboratory Services, Illumina above.